The following is an entry in ClinVar:

ClinVar aggregate classification (germline): Uncertain significance (1 of 4 stars; one submission).

Conditions:
Reticular dysgenesis. Also called: ALEUKOCYTOSIS; CONGENITAL ALEUKIA; HEMATOPOIETIC HYPOPLASIA, GENERALIZED; RETICULAR DYSGENESIA; SEVERE COMBINED IMMUNODEFICIENCY WITH LEUKOPENIA; DeVaal disease. Identifiers: Orphanet 33355, MedGen C0272167, MONDO:0009973, OMIM 267500.

Submission:

Labcorp Genetics (formerly Invitae), Labcorp
Classification: Uncertain significance for Reticular dysgenesis. Last evaluated: 2022-06-04. Review status: criteria provided, single submitter. Criteria: Invitae Variant Classification Sherloc (09022015). Collection method: clinical testing. Allele origin: germline.
Comment: This sequence change replaces isoleucine, which is neutral and non-polar, with valine, which is neutral and non-polar, at codon 126 of the AK2 protein (p.Ile126Val). This variant is not present in population databases (gnomAD no frequency). This variant has not been reported in the literature in individuals affected with AK2-related conditions. ClinVar contains an entry for this variant (Variation ID: 645331). Algorithms developed to predict the effect of missense changes on protein structure and function output the following: SIFT: "Tolerated"; PolyPhen-2: "Benign"; Align-GVGD: "Class C0". The valine amino acid residue is found in multiple mammalian species, which suggests that this missense change does not adversely affect protein function. In summary, the available evidence is currently insufficient to determine the role of this variant in disease. Therefore, it has been classified as a Variant of Uncertain Significance.

NM_001625.4(AK2):c.376A>G (p.Ile126Val)

Gene: AK2 (adenylate kinase 2; minus strand). Cytogenetic location: 1p35.1.
Variant type: single nucleotide variant.
Coding change: c.376A>G on transcript NM_001625.4 (MANE Select); coding-DNA position 376, A replaced by G.
Protein change: p.Ile126Val; replaces isoleucine 126 with valine.
Molecular consequence: missense variant. On other transcripts: intron variant (1).
Genome position (GRCh38, 1-based): chr1:33,021,416, T>C on the plus strand (A>G on the coding strand, the complement: AK2 is on the minus strand). VCF-style: chr1-33021416-T-C. GRCh37 (hg19) VCF-style: chr1-33487017-T-C.
Other names: c.376A>G, p.Ile126Val (NM_001199199.3, NM_001319141.3, NM_013411.5); c.232A>G, p.Ile78Val (NM_001319139.3, NM_001319140.2); c.250A>G, p.Ile84Val (NM_001319142.3); c.330+177A>G (NM_001319143.2); short protein forms I126V, I78V, I84V.
Identifiers: ClinVar variation 645331 (VCV000645331.8), dbSNP rs747116598, ClinGen allele CA20310560.